The following is an entry in ClinVar:

ClinVar aggregate classification (germline): Conflicting classifications of pathogenicity. Review status: criteria provided, conflicting classifications (1 of 4 stars). 4 submissions from 4 submitters: Uncertain significance (1); Benign (3). Last evaluated 2026-03-01.

Conditions:
Karyomegalic interstitial nephritis. Identifiers: Orphanet 401996, MedGen C3553774, MONDO:0013898, OMIM 614817.

Allele frequency attached by ClinVar (database versions not stated): 1000 Genomes Project 0.00280; 1000 Genomes Project 30x 0.00297; ESP Exome Variant Server 0.00569; TOPMed 0.00620.
gnomAD v4.1: 14,369 of 1,614,058 alleles (0.89%); highest among the groups gnomAD compares: Non-Finnish European, 1.1%; 86 homozygotes.

Submissions (4):

CeGaT Center for Human Genetics Tuebingen
Classification: Benign. Last evaluated: 2026-03-01. Review status: criteria provided, single submitter. Criteria: CeGaT Center For Human Genetics Tuebingen Variant Classification Criteria Version 2. Collection method: clinical testing. Allele origin: germline. Affected: yes. Observed: 9 variant alleles.
Comment: FAN1: BP4, BS1, BS2

Labcorp Genetics (formerly Invitae), Labcorp
Classification: Benign. Last evaluated: 2026-01-25. Review status: criteria provided, single submitter. Criteria: Invitae Variant Classification Sherloc (09022015). Collection method: clinical testing. Allele origin: germline.

Dasa
Classification: Benign. Last evaluated: 2025-11-05. Review status: criteria provided, single submitter. Criteria: DASA Assertion Criteria. Collection method: clinical testing. Allele origin: germline.
Comment: NM_014967.5(FAN1):c.1520G>A (p.Arg507His) is a missense variant that results in the substitution of arginine with histidine. Population frequency is inconsistent with a disease-causing role for this variant, and observations in unaffected individuals support a benign interpretation. Computational prediction algorithms are consistent with a benign effect. Therefore, based on the currently available evidence, this variant is classified as benign.

Center for Precision Medicine, Vanderbilt University Medical Center
Classification: Uncertain significance for Karyomegalic interstitial nephritis. Last evaluated: 2018-03-16. Review status: criteria provided, single submitter. Criteria: ACMG Guidelines, 2015. Collection method: research. Allele origin: germline. Inheritance: Autosomal recessive inheritance. Observed: 434 variant alleles, 434 heterozygotes. Clinical features observed: chronic renal failure, nonspecific elevation of levels of transaminase or lactic acid dehydrogenase, nephritis or neuropathy with pathological lesion, glycosuria or acetonuria, proteinuria, hematuria.

NM_014967.5(FAN1):c.1520G>A (p.Arg507His)

Gene: FAN1 (FANCD2 and FANCI associated nuclease 1; plus strand). Cytogenetic location: 15q13.3.
Variant type: single nucleotide variant.
Coding change: c.1520G>A on transcript NM_014967.5 (MANE Select); coding-DNA position 1520, G replaced by A.
Protein change: p.Arg507His; replaces arginine 507 with histidine.
Molecular consequence: missense variant.
Genome position (GRCh38, 1-based): chr15:30,910,758, G>A. VCF-style: chr15-30910758-G-A. GRCh37 (hg19) VCF-style: chr15-31202961-G-A.
Other names: c.1520G>A, p.Arg507His (NM_001146094.2, NM_001146095.1, NM_001146096.2); short protein forms R507H.
Identifiers: ClinVar variation 619975 (VCV000619975.36), dbSNP rs150393409, ClinGen allele CA7450323.
Genomic context (GRCh38, chr15:30,910,758, plus strand): 5'-TGAATCCCAATGGACAGAAACAGCAGCTGGTGGACGCCTTTCTCAAATTGGCCAAACAGC[G>A]TTCAGTCTGCACTTGGGGCAAGAATAAGCCTGGAATTGGTGCAGTGATTTTAAAAAGGTT-3'
Protein context (NP_055782.3, residues 497-517): VDAFLKLAKQ[Arg507His]SVCTWGKNKP